The following is an entry in ClinVar:

ClinVar aggregate classification (germline): Uncertain significance. Review status: criteria provided, multiple submitters, no conflicts (2 of 4 stars). 3 submissions from 3 submitters: Uncertain significance (3). Last evaluated 2025-01-22.

Conditions:
Intestinal hypomagnesemia 1. Also called: HYPOMAGNESEMIA, INTESTINAL, WITH SECONDARY HYPOCALCEMIA; HYPOMAGNESEMIC TETANY. Identifiers: Orphanet 30924, MedGen C1865974, MONDO:0011176, OMIM 602014.
Inborn genetic diseases. Identifiers: MedGen C0950123, MeSH D030342.

Allele frequency attached by ClinVar (database versions not stated): gnomAD exomes below 0.00001; ExAC 0.00002; TOPMed 0.00004; gnomAD 0.00005; 1000 Genomes Project 30x 0.00016; 1000 Genomes Project 0.00020.
gnomAD v4.1: 14 of 1,614,204 alleles (0.00087%); highest among the groups gnomAD compares: African/African-American, 0.019%; no homozygotes.

Submissions (3):

Ambry Genetics
Classification: Uncertain significance for Inborn genetic diseases. Last evaluated: 2025-01-22. Review status: criteria provided, single submitter. Criteria: Ambry Variant Classification Scheme 2023. Collection method: clinical testing. Allele origin: germline.

Fulgent Genetics
Classification: Uncertain significance for Intestinal hypomagnesemia 1. Last evaluated: 2024-03-26. Review status: criteria provided, single submitter. Criteria: ACMG Guidelines, 2015. Collection method: clinical testing. Allele origin: germline.

Labcorp Genetics (formerly Invitae), Labcorp
Classification: Uncertain significance. Last evaluated: 2022-08-21. Review status: criteria provided, single submitter. Criteria: Invitae Variant Classification Sherloc (09022015). Collection method: clinical testing. Allele origin: germline.
Comment: In summary, the available evidence is currently insufficient to determine the role of this variant in disease. Therefore, it has been classified as a Variant of Uncertain Significance. Algorithms developed to predict the effect of missense changes on protein structure and function output the following: SIFT: "Tolerated"; PolyPhen-2: "Benign"; Align-GVGD: "Class C0". The arginine amino acid residue is found in multiple mammalian species, which suggests that this missense change does not adversely affect protein function. This variant has not been reported in the literature in individuals affected with TRPM6-related conditions. This variant is present in population databases (rs536138835, gnomAD 0.02%). This sequence change replaces cysteine, which is neutral and slightly polar, with arginine, which is basic and polar, at codon 1512 of the TRPM6 protein (p.Cys1512Arg).

NM_017662.5(TRPM6):c.4534T>C (p.Cys1512Arg)

Gene: TRPM6 (transient receptor potential cation channel subfamily M member 6; minus strand). Cytogenetic location: 9q21.13.
Variant type: single nucleotide variant.
Coding change: c.4534T>C on transcript NM_017662.5 (MANE Select); coding-DNA position 4534, T replaced by C.
Protein change: p.Cys1512Arg; replaces cysteine 1512 with arginine.
Molecular consequence: missense variant.
Genome position (GRCh38, 1-based): chr9:74,762,137, A>G on the plus strand (T>C on the coding strand, the complement: TRPM6 is on the minus strand). VCF-style: chr9-74762137-A-G. GRCh37 (hg19) VCF-style: chr9-77377053-A-G.
Other names: c.4534T>C (NM_017662.4); c.4519T>C, p.Cys1507Arg (NM_001177310.2, NM_001177311.2); short protein forms C1507R, C1512R.
Identifiers: ClinVar variation 2203425 (VCV002203425.6), dbSNP rs536138835, ClinGen allele CA5084098.
Genomic context (GRCh38, chr9:74,762,137, plus strand): 5'-TGCGGAGAGGATTGATCCAAAAGGATGTGTTTGGCTGAAGCCATGGTCCCACCTCTGAGC[A>G]TTCACTACTCTGGGCCGATCTTGTTGAGTTATCAGATAGGGAGCTGTCCTGGGCCTGCTT-3'
Protein context (NP_060132.3, residues 1502-1522): NSTRSAQSSE[Cys1512Arg]SEVGPWLQPN